The following is an entry in ClinVar:

ClinVar aggregate classification (germline): Uncertain significance. Review status: criteria provided, single submitter (1 of 4 stars). 2 submissions from 2 submitters: Uncertain significance (1). 1 of the submissions does not count toward it. Last evaluated 2020-07-25.

Conditions:
OXCT1-related disorder. Also called: OXCT1-related condition.
Succinyl-CoA acetoacetate transferase deficiency (SCOTD). Also called: KETOACIDOSIS DUE TO SCOT DEFICIENCY; SCOT DEFICIENCY; SUCCINYL-CoA:3-KETOACID CoA-TRANSFERASE DEFICIENCY; Succinyl CoA:3-oxoacid CoA transferase deficiency; 3-Oxoacid CoA Transferase Deficiency. Identifiers: Orphanet 832, MedGen C0342792, MONDO:0009492, OMIM 245050.

Allele frequency attached by ClinVar (database versions not stated): gnomAD exomes 0.00002 and 0.00008; gnomAD 0.00004; ExAC 0.00005; TOPMed 0.00005; 1000 Genomes Project 30x 0.00016; 1000 Genomes Project 0.00020.
gnomAD v4.1: 41 of 1,609,550 alleles (0.0025%); highest among the groups gnomAD compares: East Asian, 0.031%; no homozygotes.

Submissions (2):

Labcorp Genetics (formerly Invitae), Labcorp
Classification: Uncertain significance for Succinyl-CoA acetoacetate transferase deficiency. Last evaluated: 2020-07-25. Review status: criteria provided, single submitter. Criteria: Invitae Variant Classification Sherloc (09022015). Collection method: clinical testing. Allele origin: germline.
Comment: This sequence change falls in intron 6 of the OXCT1 gene. It does not directly change the encoded amino acid sequence of the OXCT1 protein, but it affects a nucleotide within the consensus splice site of the intron. This variant is present in population databases (rs534705079, ExAC 0.05%). This variant has not been reported in the literature in individuals with OXCT1-related conditions. ClinVar contains an entry for this variant (Variation ID: 835501). Nucleotide substitutions within the consensus splice site are a relatively common cause of aberrant splicing (PMID: 17576681, 9536098). In summary, the available evidence is currently insufficient to determine the role of this variant in disease. Therefore, it has been classified as a Variant of Uncertain Significance.

PreventionGenetics, part of Exact Sciences
Classification: Likely benign for OXCT1-related condition. Last evaluated: 2021-10-26. Review status: no assertion criteria provided. Collection method: clinical testing. Allele origin: germline. Not counted in ClinVar's aggregate classification.
Comment: This variant is classified as likely benign based on ACMG/AMP sequence variant interpretation guidelines (Richards et al. 2015 PMID: 25741868, with internal and published modifications).

Literature cited by the submitters: PubMed 17576681 (cited by Labcorp Genetics (formerly Invitae), Labcorp); PubMed 9536098 (cited by Labcorp Genetics (formerly Invitae), Labcorp).

NM_000436.4(OXCT1):c.672-3T>C

Gene: OXCT1 (3-oxoacid CoA-transferase 1; minus strand). Cytogenetic location: 5p13.1.
Variant type: single nucleotide variant.
Coding change: c.672-3T>C on transcript NM_000436.4 (MANE Select); 3 bases into the intron before coding-DNA position 672, T replaced by C.
Molecular consequence: intron variant.
Genome position (GRCh38, 1-based): chr5:41,840,514, A>G on the plus strand (T>C on the coding strand, the complement: OXCT1 is on the minus strand). VCF-style: chr5-41840514-A-G. GRCh37 (hg19) VCF-style: chr5-41840616-A-G.
Other names: c.672-3T>C (NM_001364301.2, NM_001364302.2); c.693-3T>C (NM_001364299.2, NM_001364300.2); c.114-3T>C (NM_001364303.2).
Identifiers: ClinVar variation 835501 (VCV000835501.11), dbSNP rs534705079, ClinGen allele CA3253517.